The following is an entry in ClinVar:

NM_001040078.3(LGALS9C):c.397del (p.Thr133fs)

Gene: LGALS9C (galectin 9C; plus strand). Cytogenetic location: 17p11.2.
Variant type: Deletion.
Coding change: c.397del on transcript NM_001040078.3 (MANE Select); coding-DNA position 397, one base deleted (A; older notation c.397delA).
Protein change: p.Thr133fs; shifts the reading frame from threonine 133.
Molecular consequence: frameshift variant.
Genome position (GRCh38, 1-based): chr17:18,487,710, A deleted. VCF-style (leftmost placement, unchanged base first): chr17-18487709-CA-C. GRCh37 (hg19) VCF-style: chr17-18391023-CA-C.
Other names: short protein forms T133fs.
Identifiers: ClinVar variation 2647558 (VCV002647558.24), dbSNP rs774920352, ClinGen allele CA8432523.

ClinVar aggregate classification (germline): Likely benign (1 of 4 stars; one submission).

Allele frequency attached by ClinVar (database versions not stated): gnomAD 0.00073; ExAC 0.00079; ESP Exome Variant Server 0.00109.

Submission:

CeGaT Center for Human Genetics Tuebingen
Classification: Likely benign. Last evaluated: 2022-11-01. Review status: criteria provided, single submitter. Criteria: CeGaT Center For Human Genetics Tuebingen Variant Classification Criteria Version 2. Collection method: clinical testing. Allele origin: germline. Affected: yes. Observed: 1 variant allele.
Comment: LGALS9C: BS2